The following is an entry in ClinVar:

ClinVar aggregate classification (germline): Pathogenic. Review status: criteria provided, multiple submitters, no conflicts (2 of 4 stars). 3 submissions from 3 submitters: Pathogenic (2). 1 of the submissions does not count toward it. Last evaluated 2026-06-08.

Conditions:
Tubulinopathy. Also called: Tubulinopathies. Identifiers: MedGen CN850169, MONDO:0100153.
Lissencephaly due to TUBA1A mutation (CDCBM16). Also called: CORTICAL DYSPLASIA, COMPLEX, WITH OTHER BRAIN MALFORMATIONS 16; Lissencephaly 3. Identifiers: Orphanet 171680, MedGen C4305153, MONDO:0012703, OMIM 611603.

Submissions (3):

Institute of Human Genetics, University of Leipzig Medical Center
Classification: Pathogenic for Lissencephaly due to TUBA1A mutation. Last evaluated: 2026-06-08. Review status: criteria provided, single submitter. Criteria: ACMG Guidelines, 2015. Collection method: clinical testing. Allele origin: de novo. Inheritance: Autosomal dominant inheritance. Affected: yes.
Comment: Criteria applied: PS2_MOD,PS4_MOD,PM2,PM5,PP2,PP3

Institute of Human Genetics, FAU Erlangen, Friedrich-Alexander-Universität Erlangen-Nürnberg
Classification: Pathogenic for Tubulinopathies. Last evaluated: 2018-07-01. Review status: criteria provided, single submitter. Criteria: ACMG Guidelines, 2015. Collection method: literature only. Allele origin: de novo. Affected: yes. Observed: 1 variant allele.
Comment: The c.787C>A, p.(Pro263Thr) variant has been reported as a variant of de novo origin. This variant and associated phenotype was previously reported by Poirier et al. Human Mutation, 2007 PMID: 17584854. Agyria (HP:0031882); Cerebellar vermis hypoplasia (HP:0001320); Hypoplasia of the brainstem (HP:0002365); Cerebellar dysplasia (HP:0007033); Hypoplastic hippocampus (HP:0025517); Dilation of lateral ventricles (HP:0006956); Gray matter heterotopia (HP:0002281); no Congenital microcephaly (-HP:0011451)

OMIM
Classification: Pathogenic for CORTICAL DYSPLASIA, COMPLEX, WITH OTHER BRAIN MALFORMATIONS 16. Last evaluated: 2010-09-15. Review status: no assertion criteria provided. Collection method: literature only. Allele origin: germline. Not counted in ClinVar's aggregate classification.

Literature cited by the submitters: PubMed 30744660 (cited by Institute of Human Genetics, FAU Erlangen, Friedrich-Alexander-Universität Erlangen-Nürnberg); DOI 10.1101/427948 (cited by Institute of Human Genetics, FAU Erlangen, Friedrich-Alexander-Universität Erlangen-Nürnberg); PubMed 17584854 (cited by OMIM); PubMed 20603323 (cited by OMIM).

NM_006009.4(TUBA1A):c.787C>A (p.Pro263Thr)

Gene: TUBA1A (tubulin alpha 1a; minus strand). Cytogenetic location: 12q13.12.
Variant type: single nucleotide variant.
Coding change: c.787C>A on transcript NM_006009.4 (MANE Select); coding-DNA position 787, C replaced by A.
Protein change: p.Pro263Thr; replaces proline 263 with threonine.
Molecular consequence: missense variant.
Genome position (GRCh38, 1-based): chr12:49,185,579, G>T on the plus strand (C>A on the coding strand, the complement: TUBA1A is on the minus strand). VCF-style: chr12-49185579-G-T. GRCh37 (hg19) VCF-style: chr12-49579362-G-T.
Other names: c.787C>A, p.Pro263Thr (NM_001270399.2); c.682C>A, p.Pro228Thr (NM_001270400.2); short protein forms P263T, P228T.
Identifiers: ClinVar variation 7073 (VCV000007073.7), dbSNP rs137853046, ClinGen allele CA213158.
Genomic context (GRCh38, chr12:49,185,579, plus strand): 5'-GGTAGGCTTTCTCAGCAGAGATGACAGGGGCATATGTGGCCAGAGGGAAGTGGATGCGGG[G>T]ATAGGGCACCAGGTTGGTCTGGAATTCTGTCAGGTCAACATTCAGGGCTCCATCAAATCT-3'
Protein context (NP_006000.2, residues 253-273): TEFQTNLVPY[Pro263Thr]RIHFPLATYA